The following is an entry in ClinVar:

ClinVar aggregate classification (germline): Uncertain significance. Review status: criteria provided, multiple submitters, no conflicts (2 of 4 stars). 4 submissions from 4 submitters: Uncertain significance (4). Last evaluated 2025-02-12.

Conditions:
Hereditary cancer-predisposing syndrome. Also called: Tumor predisposition; Neoplastic Syndromes, Hereditary; Hereditary Cancer Syndrome; Hereditary neoplastic syndrome. Identifiers: Orphanet 140162, MedGen C0027672, MeSH D009386, MONDO:0015356.
Tuberous sclerosis syndrome (TSC). Also called: Tuberous Sclerosis Complex; Tuberous sclerosis. Identifiers: Orphanet 805, MedGen C0041341, MONDO:0001734.
Tuberous sclerosis 2 (TSC2). Identifiers: Orphanet 805, MedGen C1860707, MONDO:0013199, OMIM 613254.

Submissions (4):

GeneDx
Classification: Uncertain significance. Last evaluated: 2025-02-12. Review status: criteria provided, single submitter. Criteria: GeneDx Variant Classification Process June 2021. Collection method: clinical testing. Allele origin: germline. Affected: yes.
Comment: Not observed at significant frequency in large population cohorts (gnomAD); In silico analysis supports that this missense variant has a deleterious effect on protein structure/function; Has not been previously published as pathogenic or benign to our knowledge

All of Us Research Program, National Institutes of Health
Classification: Uncertain significance for Tuberous sclerosis syndrome. Last evaluated: 2024-07-29. Review status: criteria provided, single submitter. Criteria: ACMG Guidelines, 2015. Collection method: clinical testing. Allele origin: germline. Inheritance: Autosomal dominant inheritance. Observed: 1 variant allele, 1 heterozygote.
Comment: This missense variant replaces serine with phenylalanine at codon 1155 of the TSC2 protein. Computational prediction suggests that this variant may not impact protein structure and function). To our knowledge, functional studies have not been reported for this variant. This variant has not been reported in individuals affected with TSC2-related disorders in the literature. This variant has not been identified in the general population by the Genome Aggregation Database (gnomAD). The available evidence is insufficient to determine the role of this variant in disease conclusively. Therefore, this variant is classified as a Variant of Uncertain Significance.

This study involves interpretation of variants in research participants for the purpose of population health screening. Participant phenotype was not available at the time of variant classification. Additional details can be found in publication PMID: 35346344, PMCID: PMC8962531

Labcorp Genetics (formerly Invitae), Labcorp
Classification: Uncertain significance for Tuberous sclerosis 2. Last evaluated: 2024-03-16. Review status: criteria provided, single submitter. Criteria: Invitae Variant Classification Sherloc (09022015). Collection method: clinical testing. Allele origin: germline.
Comment: This sequence change replaces serine, which is neutral and polar, with phenylalanine, which is neutral and non-polar, at codon 1155 of the TSC2 protein (p.Ser1155Phe). This variant is not present in population databases (gnomAD no frequency). This variant has not been reported in the literature in individuals affected with TSC2-related conditions. ClinVar contains an entry for this variant (Variation ID: 406051). Advanced modeling of protein sequence and biophysical properties (such as structural, functional, and spatial information, amino acid conservation, physicochemical variation, residue mobility, and thermodynamic stability) performed at Invitae indicates that this missense variant is not expected to disrupt TSC2 protein function with a negative predictive value of 95%. In summary, the available evidence is currently insufficient to determine the role of this variant in disease. Therefore, it has been classified as a Variant of Uncertain Significance.

Ambry Genetics
Classification: Uncertain significance for Hereditary cancer-predisposing syndrome. Last evaluated: 2021-01-04. Review status: criteria provided, single submitter. Criteria: Ambry Variant Classification Scheme 2023. Collection method: clinical testing. Allele origin: germline.
Comment: The p.S1155F variant (also known as c.3464C>T), located in coding exon 29 of the TSC2 gene, results from a C to T substitution at nucleotide position 3464. The serine at codon 1155 is replaced by phenylalanine, an amino acid with highly dissimilar properties. This amino acid position is not well conserved in available vertebrate species. In addition, the in silico prediction for this alteration is inconclusive. Since supporting evidence is limited at this time, the clinical significance of this alteration remains unclear.

NM_000548.5(TSC2):c.3464C>T (p.Ser1155Phe)

Gene: TSC2 (TSC complex subunit 2; plus strand). Cytogenetic location: 16p13.3.
Variant type: single nucleotide variant.
Coding change: c.3464C>T on transcript NM_000548.5 (MANE Select); coding-DNA position 3464, C replaced by T.
Protein change: p.Ser1155Phe; replaces serine 1155 with phenylalanine.
Molecular consequence: missense variant.
Genome position (GRCh38, 1-based): chr16:2,080,231, C>T. VCF-style: chr16-2080231-C-T. GRCh37 (hg19) VCF-style: chr16-2130232-C-T.
Other names: c.3332C>T, p.Ser1111Phe (NM_001077183.3, NM_001370404.1); c.3464C>T, p.Ser1155Phe (NM_001114382.3); c.3224C>T, p.Ser1075Phe (NM_001318827.2); c.3188C>T, p.Ser1063Phe (NM_001318829.2); c.2732C>T, p.Ser911Phe (NM_001318831.2); c.3365C>T, p.Ser1122Phe (NM_001318832.2); c.3335C>T, p.Ser1112Phe (NM_001363528.2, NM_001370405.1, NM_021055.3); short protein forms S1155F, S1112F, S1122F, S1111F, S1063F, S911F, S1075F.
Identifiers: ClinVar variation 406051 (VCV000406051.12), dbSNP rs1060500948, ClinGen allele CA16614775.